The following is an entry in ClinVar:

ClinVar aggregate classification (germline): Benign/Likely benign. Review status: criteria provided, multiple submitters, no conflicts (2 of 4 stars). 4 submissions from 4 submitters: Benign (1); Likely benign (3). Last evaluated 2025-07-14.

Conditions:
Classic or attenuated familial adenomatous polyposis. Identifiers: MedGen CN372698, MONDO:0021057.
Hereditary cancer-predisposing syndrome. Also called: Hereditary neoplastic syndrome; Neoplastic Syndromes, Hereditary; Tumor predisposition; Hereditary Cancer Syndrome. Identifiers: Orphanet 140162, MedGen C0027672, MeSH D009386, MONDO:0015356.
Familial adenomatous polyposis 1 (FAP1). Also called: FAMILIAL ADENOMATOUS POLYPOSIS 1, ATTENUATED; POLYPOSIS, ADENOMATOUS INTESTINAL. Identifiers: MedGen C2713442, MONDO:0021056, OMIM 175100. Disease mechanism: loss of function.

Allele frequency attached by ClinVar (database versions not stated): gnomAD exomes below 0.00001 and 0.00001; ExAC 0.00001.
gnomAD v4.1: 4 of 1,614,080 alleles (0.00025%); highest among the groups gnomAD compares: Non-Finnish European, 0.00034%; no homozygotes.

Submissions (4):

Labcorp Genetics (formerly Invitae), Labcorp
Classification: Likely benign for Familial adenomatous polyposis 1. Last evaluated: 2025-07-14. Review status: criteria provided, single submitter. Criteria: Invitae Variant Classification Sherloc (09022015). Collection method: clinical testing. Allele origin: germline.

Myriad Genetics, Inc.
Classification: Benign for Familial adenomatous polyposis 1. Last evaluated: 2024-02-23. Review status: criteria provided, single submitter. Criteria: Myriad Autosomal Dominant, Autosomal Recessive and X-Linked Classification Criteria (2023). Collection method: clinical testing. Allele origin: unknown.
Comment: This variant is considered benign. This variant is a silent/synonymous amino acid change and it is not expected to impact splicing.

All of Us Research Program, National Institutes of Health
Classification: Likely benign for Classic or attenuated familial adenomatous polyposis. Last evaluated: 2023-10-02. Review status: criteria provided, single submitter. Criteria: ACMG Guidelines, 2015. Collection method: clinical testing. Allele origin: germline. Inheritance: Autosomal dominant inheritance. Observed: 1 variant allele, 1 heterozygote.
Comment: This study involves interpretation of variants in research participants for the purpose of population health screening. Participant phenotype was not available at the time of variant classification. Additional details can be found in publication PMID: 35346344, PMCID: PMC8962531

Ambry Genetics
Classification: Likely benign for Hereditary cancer-predisposing syndrome. Last evaluated: 2018-12-20. Review status: criteria provided, single submitter. Criteria: Ambry Variant Classification Scheme 2023. Collection method: clinical testing. Allele origin: germline.

NM_000038.6(APC):c.393T>C (p.Thr131=)

Gene: APC (APC regulator of Wnt signaling pathway; plus strand). Cytogenetic location: 5q22.2.
Variant type: single nucleotide variant.
Coding change: c.393T>C on transcript NM_000038.6 (MANE Select); coding-DNA position 393, T replaced by C.
Protein change: p.Thr131=; no amino-acid change (threonine 131 retained).
Molecular consequence: synonymous variant. On other transcripts: 5 prime UTR variant (1).
Genome position (GRCh38, 1-based): chr5:112,767,361, T>C. VCF-style: chr5-112767361-T-C. GRCh37 (hg19) VCF-style: chr5-112103058-T-C.
Other names: c.393T>C, p.Thr131= (NM_001127510.3, NM_001354895.2, NM_001354896.2 and 2 more transcripts); c.423T>C, p.Thr141= (NM_001127511.3, NM_001354897.2, NM_001354902.2); c.318T>C, p.Thr106= (NM_001354898.2, NM_001354904.2); c.216T>C, p.Thr72= (NM_001354900.2, NM_001354901.2, NM_001354905.2); c.-643T>C (NM_001354906.2).
Identifiers: ClinVar variation 184585 (VCV000184585.15), dbSNP rs775742850, ClinGen allele CA008809.
Genomic context (GRCh38, chr5:112,767,361, plus strand): 5'-TCCTGTTCCTATGGGTTCATTTCCAAGAAGAGGGTTTGTAAATGGAAGCAGAGAAAGTAC[T>C]GGATATTTAGAAGAACTTGAGAAAGAGAGGTAACTTTTCTTCATATAGTAAACATTGCCT-3'
Protein context (NP_000029.2, residues 121-141): RGFVNGSRES[Thr131=]GYLEELEKER